The following is an entry in ClinVar:

ClinVar aggregate classification (germline): Uncertain significance (1 of 4 stars; one submission).

Allele frequency attached by ClinVar (database versions not stated): gnomAD exomes below 0.00001; TOPMed below 0.00001; ExAC 0.00001; gnomAD 0.00001; ESP Exome Variant Server 0.00008.
gnomAD v4.1: 3 of 1,614,020 alleles (0.00019%); highest among the groups gnomAD compares: Non-Finnish European, 0.00025%; no homozygotes.

Submission:

Labcorp Genetics (formerly Invitae), Labcorp
Classification: Uncertain significance. Last evaluated: 2022-07-01. Review status: criteria provided, single submitter. Criteria: Invitae Variant Classification Sherloc (09022015). Collection method: clinical testing. Allele origin: germline.
Comment: In summary, the available evidence is currently insufficient to determine the role of this variant in disease. Therefore, it has been classified as a Variant of Uncertain Significance. Algorithms developed to predict the effect of missense changes on protein structure and function are either unavailable or do not agree on the potential impact of this missense change (SIFT: "Deleterious"; PolyPhen-2: "Probably Damaging"; Align-GVGD: "Class C0"). This variant has not been reported in the literature in individuals affected with PRPF8-related conditions. This variant is present in population databases (rs371034900, gnomAD 0.0009%). This sequence change replaces proline, which is neutral and non-polar, with leucine, which is neutral and non-polar, at codon 2149 of the PRPF8 protein (p.Pro2149Leu).

NM_006445.4(PRPF8):c.6446C>T (p.Pro2149Leu)

Gene: PRPF8 (pre-mRNA processing factor 8; minus strand). Cytogenetic location: 17p13.3.
Variant type: single nucleotide variant.
Coding change: c.6446C>T on transcript NM_006445.4 (MANE Select); coding-DNA position 6446, C replaced by T.
Protein change: p.Pro2149Leu; replaces proline 2149 with leucine.
Molecular consequence: missense variant.
Genome position (GRCh38, 1-based): chr17:1,651,712, G>A on the plus strand (C>T on the coding strand, the complement: PRPF8 is on the minus strand). VCF-style: chr17-1651712-G-A. GRCh37 (hg19) VCF-style: chr17-1555006-G-A.
Other names: short protein forms P2149L.
Identifiers: ClinVar variation 2001658 (VCV002001658.4), dbSNP rs371034900, ClinGen allele CA8271182.